The following is an entry in ClinVar:

ClinVar aggregate classification (germline): Uncertain significance (1 of 4 stars; one submission).

Conditions:
Autosomal recessive nonsyndromic hearing loss 8 (DFNB8). Also called: NEUROSENSORY NONSYNDROMIC RECESSIVE DEAFNESS 8; Deafness, autosomal recessive 10. Identifiers: Orphanet 90636, MedGen C1832827, MONDO:0010987, OMIM 601072.

Submission:

3billion
Classification: Uncertain significance for Autosomal recessive nonsyndromic hearing loss 8. Last evaluated: 2022-09-01. Review status: criteria provided, single submitter. Criteria: ACMG Guidelines, 2015. Collection method: clinical testing. Allele origin: germline. Affected: yes. Observed: 1 heterozygote.
Comment: The variant is observed at an extremely low frequency in the gnomAD v2.1.1 dataset (total allele frequency: 0.001%). Missense changes are a common disease-causing mechanism. In silico tool predictions suggest no damaging effect of the variant on gene or gene product (REVEL: 0.28; 3Cnet: 0.09). Therefore, this variant is classified as uncertain significance according to the recommendation of ACMG/AMP guideline.

NM_001256317.3(TMPRSS3):c.133C>A (p.Pro45Thr)

Gene: TMPRSS3 (transmembrane serine protease 3; minus strand). Cytogenetic location: 21q22.3.
Variant type: single nucleotide variant.
Coding change: c.133C>A on transcript NM_001256317.3 (MANE Select); coding-DNA position 133, C replaced by A.
Protein change: p.Pro45Thr; replaces proline 45 with threonine.
Molecular consequence: missense variant.
Genome position (GRCh38, 1-based): chr21:42,389,999, G>T on the plus strand (C>A on the coding strand, the complement: TMPRSS3 is on the minus strand). VCF-style: chr21-42389999-G-T. GRCh37 (hg19) VCF-style: chr21-43810108-G-T.
Other names: c.133C>A, p.Pro45Thr (NM_024022.4, NM_032405.2); short protein forms P45T.
Identifiers: ClinVar variation 1705391 (VCV001705391.1), dbSNP rs748158424, ClinGen allele CA410375969.